The following is an entry in ClinVar:

NM_000222.3(KIT):c.943A>G (p.Ile315Val)

Gene: KIT (KIT proto-oncogene, receptor tyrosine kinase; plus strand). Cytogenetic location: 4q12.
Variant type: single nucleotide variant.
Coding change: c.943A>G on transcript NM_000222.3 (MANE Select); coding-DNA position 943, A replaced by G.
Protein change: p.Ile315Val; replaces isoleucine 315 with valine.
Molecular consequence: missense variant.
Genome position (GRCh38, 1-based): chr4:54,707,115, A>G. VCF-style: chr4-54707115-A-G. GRCh37 (hg19) VCF-style: chr4-55573281-A-G.
Other names: c.943A>G, p.Ile315Val (NM_001093772.2, NM_001385285.1, NM_001385286.1); c.946A>G, p.Ile316Val (NM_001385284.1, NM_001385288.1, NM_001385290.1 and 1 more transcripts); c.943A>G (NM_000222.2); short protein forms I315V, I316V.
Identifiers: ClinVar variation 1366380 (VCV001366380.9), dbSNP rs2109704946, ClinGen allele CA356900707.

ClinVar aggregate classification (germline): Uncertain significance. Review status: criteria provided, multiple submitters, no conflicts (2 of 4 stars). 2 submissions from 2 submitters: Uncertain significance (2). Last evaluated 2024-09-04.

Conditions:
Hereditary cancer-predisposing syndrome. Also called: Tumor predisposition; Hereditary Cancer Syndrome; Hereditary neoplastic syndrome; Neoplastic Syndromes, Hereditary. Identifiers: Orphanet 140162, MedGen C0027672, MeSH D009386, MONDO:0015356.
Gastrointestinal stromal tumor. Also called: Gastrointestinal stroma tumor; Gastrointestinal stromal tumor, somatic. Identifiers: Orphanet 44890, MedGen C0238198, MeSH D046152, MONDO:0011719, OMIM 606764, HP:0100723.

gnomAD v4.1: 1 of 1,540,186 alleles (0.000065%); highest among the groups gnomAD compares: Non-Finnish European, 0.00009%; no homozygotes.

Submissions (2):

Labcorp Genetics (formerly Invitae), Labcorp
Classification: Uncertain significance for Gastrointestinal stromal tumor. Last evaluated: 2024-09-04. Review status: criteria provided, single submitter. Criteria: Invitae Variant Classification Sherloc (09022015). Collection method: clinical testing. Allele origin: germline.
Comment: This sequence change replaces isoleucine, which is neutral and non-polar, with valine, which is neutral and non-polar, at codon 315 of the KIT protein (p.Ile315Val). This variant is not present in population databases (gnomAD no frequency). This variant has not been reported in the literature in individuals affected with KIT-related conditions. ClinVar contains an entry for this variant (Variation ID: 1366380). An algorithm developed to predict the effect of missense changes on protein structure and function outputs the following: PolyPhen-2: "Benign". The valine amino acid residue is found in multiple mammalian species, which suggests that this missense change does not adversely affect protein function. In summary, the available evidence is currently insufficient to determine the role of this variant in disease. Therefore, it has been classified as a Variant of Uncertain Significance.

Ambry Genetics
Classification: Uncertain significance for Hereditary cancer-predisposing syndrome. Last evaluated: 2024-05-07. Review status: criteria provided, single submitter. Criteria: Ambry Variant Classification Scheme 2023. Collection method: clinical testing. Allele origin: germline.
Comment: The p.I315V variant (also known as c.943A>G), located in coding exon 6 of the KIT gene, results from an A to G substitution at nucleotide position 943. The isoleucine at codon 315 is replaced by valine, an amino acid with highly similar properties. This amino acid position is conserved. In addition, this alteration is predicted to be tolerated by in silico analysis. Based on the available evidence, the clinical significance of this variant remains unclear.